The following is an entry in ClinVar:

NM_000222.3(KIT):c.366_369del (p.Ser123fs)

Gene: KIT (KIT proto-oncogene, receptor tyrosine kinase; plus strand). Cytogenetic location: 4q12.
Variant type: Deletion.
Coding change: c.366_369del on transcript NM_000222.3 (MANE Select); coding-DNA positions 366 to 369, 4 bases deleted (CTCC; older notation c.366_369delCTCC).
Protein change: p.Ser123fs; shifts the reading frame from serine 123.
Molecular consequence: frameshift variant.
Genome position (GRCh38, 1-based): chr4:54,698,312-54,698,315, CTCC deleted. VCF-style (leftmost placement, unchanged base first): chr4-54698311-GCTCC-G. GRCh37 (hg19) VCF-style: chr4-55564477-GCTCC-G.
Other names: c.366_369del, p.Ser123fs (NM_001093772.2, NM_001385284.1, NM_001385285.1 and 4 more transcripts); short protein forms S123fs.
Identifiers: ClinVar variation 1452413 (VCV001452413.6), dbSNP rs2109671956, ClinGen allele CA2573137922.

ClinVar aggregate classification (germline): Pathogenic (1 of 4 stars; one submission).

Conditions:
Gastrointestinal stromal tumor. Also called: Gastrointestinal stroma tumor; Gastrointestinal stromal tumor, somatic. Identifiers: Orphanet 44890, MedGen C0238198, MeSH D046152, MONDO:0011719, OMIM 606764, HP:0100723.

Submission:

Labcorp Genetics (formerly Invitae), Labcorp
Classification: Pathogenic for Gastrointestinal stromal tumor. Last evaluated: 2021-09-18. Review status: criteria provided, single submitter. Criteria: Invitae Variant Classification Sherloc (09022015). Collection method: clinical testing. Allele origin: germline.
Comment: This sequence change creates a premature translational stop signal (p.Ser123Cysfs*20) in the KIT gene. It is expected to result in an absent or disrupted protein product. Loss-of-function variants in KIT are known to be pathogenic (PMID: 15194144). This variant is not present in population databases (ExAC no frequency). This variant has not been reported in the literature in individuals affected with KIT-related conditions. For these reasons, this variant has been classified as Pathogenic.

Literature cited by the submitters: PubMed 15194144.